The following is an entry in ClinVar:

ClinVar aggregate classification (germline): Uncertain significance. Review status: criteria provided, multiple submitters, no conflicts (2 of 4 stars). 3 submissions from 3 submitters: Uncertain significance (3). Last evaluated 2025-12-09.

Conditions:
Inborn genetic diseases. Identifiers: MedGen C0950123, MeSH D030342.
ATL3-related disorder. Also called: ATL3-related condition.
Neuropathy, hereditary sensory, type 1F. Also called: Hereditary sensory neuropathy type IF; HSN IF. Identifiers: Orphanet 36386, MedGen C3810194, MONDO:0014286, OMIM 615632.

Allele frequency attached by ClinVar (database versions not stated): gnomAD exomes below 0.00001; TOPMed 0.00001; ExAC 0.00002; gnomAD 0.00004.
gnomAD v4.1: 8 of 1,613,716 alleles (0.0005%); highest among the groups gnomAD compares: African/African-American, 0.011%; no homozygotes.

Submissions (3):

PreventionGenetics, part of Exact Sciences
Classification: Uncertain significance for ATL3-related condition. Last evaluated: 2025-12-09. Review status: criteria provided, single submitter. Criteria: ACMG Guidelines, 2015. Collection method: clinical testing. Allele origin: germline.
Comment: The ATL3 c.1618G>T variant is predicted to result in the amino acid substitution p.Ala540Ser. To our knowledge, this variant has not been reported in the literature. This variant is reported in 0.025% of alleles in individuals of African descent in gnomAD. Although we suspect that this variant may be benign, at this time, the clinical significance of this variant is uncertain due to the absence of conclusive functional and genetic evidence.

Labcorp Genetics (formerly Invitae), Labcorp
Classification: Uncertain significance for Neuropathy, hereditary sensory, type 1F. Last evaluated: 2024-10-31. Review status: criteria provided, single submitter. Criteria: Invitae Variant Classification Sherloc (09022015). Collection method: clinical testing. Allele origin: germline.
Comment: This sequence change replaces alanine, which is neutral and non-polar, with serine, which is neutral and polar, at codon 540 of the ATL3 protein (p.Ala540Ser). This variant is present in population databases (rs749790717, gnomAD 0.02%). This variant has not been reported in the literature in individuals affected with ATL3-related conditions. ClinVar contains an entry for this variant (Variation ID: 1776545). An algorithm developed to predict the effect of missense changes on protein structure and function outputs the following: PolyPhen-2: "Benign". The serine amino acid residue is found in multiple mammalian species, which suggests that this missense change does not adversely affect protein function. In summary, the available evidence is currently insufficient to determine the role of this variant in disease. Therefore, it has been classified as a Variant of Uncertain Significance.

Ambry Genetics
Classification: Uncertain significance for Inborn genetic diseases. Last evaluated: 2020-10-30. Review status: criteria provided, single submitter. Criteria: Ambry Variant Classification Scheme 2023. Collection method: clinical testing. Allele origin: germline.
Comment: The p.A540S variant (also known as c.1618G>T), located in coding exon 13 of the ATL3 gene, results from a G to T substitution at nucleotide position 1618. The alanine at codon 540 is replaced by serine, an amino acid with similar properties. This amino acid position is not well conserved in available vertebrate species. In addition, this alteration is predicted to be tolerated by in silico analysis. Since supporting evidence is limited at this time, the clinical significance of this alteration remains unclear.

NM_015459.5(ATL3):c.1618G>T (p.Ala540Ser)

Genes: ATL3 (atlastin GTPase 3; minus strand), LNCROPM (lncRNA regulator of PLAAT3 mediated phospholipid metabolism; plus strand). Cytogenetic location: 11q13.1.
Variant type: single nucleotide variant.
Coding change: c.1618G>T on transcript NM_015459.5 (MANE Select); coding-DNA position 1618, G replaced by T.
Protein change: p.Ala540Ser; replaces alanine 540 with serine.
Molecular consequence: missense variant.
Genome position (GRCh38, 1-based): chr11:63,629,327, C>A on the plus strand (G>T on the coding strand, the complement: ATL3 is on the minus strand). VCF-style: chr11-63629327-C-A. GRCh37 (hg19) VCF-style: chr11-63396799-C-A.
Other names: c.1564G>T, p.Ala522Ser (NM_001290048.2); c.1618G>T (NM_015459.4); short protein forms A522S, A540S.
Identifiers: ClinVar variation 1776545 (VCV001776545.5), dbSNP rs749790717, ClinGen allele CA6063460.